The following is an entry in ClinVar:

NM_201384.3(PLEC):c.1349G>A (p.Arg450Gln)

Gene: PLEC (plectin; minus strand). Cytogenetic location: 8q24.3.
Variant type: single nucleotide variant.
Coding change: c.1349G>A on transcript NM_201384.3 (MANE Select); coding-DNA position 1349, G replaced by A.
Protein change: p.Arg450Gln; replaces arginine 450 with glutamine.
Molecular consequence: missense variant.
Genome position (GRCh38, 1-based): chr8:143,933,266, C>T on the plus strand (G>A on the coding strand, the complement: PLEC is on the minus strand). VCF-style: chr8-143933266-C-T. GRCh37 (hg19) VCF-style: chr8-145007434-C-T.
Other names: c.1430G>A, p.Arg477Gln (NM_000445.5, NM_001410941.1); c.1307G>A, p.Arg436Gln (NM_201378.4); c.1283G>A, p.Arg428Gln (NM_201379.3); c.1760G>A, p.Arg587Gln (NM_201380.4); c.1253G>A, p.Arg418Gln (NM_201381.3); c.1349G>A, p.Arg450Gln (NM_201382.4); c.1361G>A, p.Arg454Gln (NM_201383.3); short protein forms R418Q, R428Q, R436Q, R450Q, R454Q, R477Q, R587Q.
Identifiers: ClinVar variation 1807407 (VCV001807407.5), dbSNP rs782334335, ClinGen allele CA4928010.

ClinVar aggregate classification (germline): Uncertain significance. Review status: criteria provided, multiple submitters, no conflicts (2 of 4 stars). 3 submissions from 3 submitters: Uncertain significance (3). Last evaluated 2025-12-22.

Conditions:
Inborn genetic diseases. Identifiers: MedGen C0950123, MeSH D030342.
Epidermolysis bullosa simplex 5C, with pyloric atresia (EBS5C). Also called: PLEC-Related Epidermolysis Bullosa with Pyloric Atresia; Epidermolysis bullosa simplex with pyloric atresia; PLEC1-Related Epidermolysis Bullosa with Pyloric Atresia. Identifiers: Orphanet 158684, MedGen C2677349, MONDO:0012807, OMIM 612138.
Autosomal recessive limb-girdle muscular dystrophy type 2Q (LGMDR17). Also called: MUSCULAR DYSTROPHY, LIMB-GIRDLE, AUTOSOMAL RECESSIVE 17. Identifiers: Orphanet 254361, MedGen C3150989, MONDO:0013390, OMIM 613723.
Epidermolysis bullosa simplex with nail dystrophy (EBS5D). Identifiers: MedGen C4225309, MONDO:0014661, OMIM 616487.
Epidermolysis bullosa simplex, Ogna type (EBS5A). Also called: Pidermolysis bullosa simplex 5A, Ogna type; EPIDERMOLYSIS BULLOSA SIMPLEX 5A, OGNA TYPE. Identifiers: Orphanet 79401, MedGen C0432317, MONDO:0007555, OMIM 131950.
Epidermolysis bullosa simplex 5B, with muscular dystrophy (EBS5B). Also called: EPIDERMOLYSIS BULLOSA SIMPLEX AND LIMB-GIRDLE MUSCULAR DYSTROPHY; Epidermolysis bullosa simplex with muscular dystrophy. Identifiers: Orphanet 257, MedGen C2931072, MONDO:0009181, OMIM 226670.

Allele frequency attached by ClinVar (database versions not stated): gnomAD 0.00002; TOPMed 0.00002.
gnomAD v4.1: 7 of 1,613,058 alleles (0.00043%); highest among the groups gnomAD compares: African/African-American, 0.0013%; no homozygotes.

Submissions (3):

Ambry Genetics
Classification: Uncertain significance for Inborn genetic diseases. Last evaluated: 2025-12-22. Review status: criteria provided, single submitter. Criteria: Ambry Variant Classification Scheme 2023. Collection method: clinical testing. Allele origin: germline.

Labcorp Genetics (formerly Invitae), Labcorp
Classification: Uncertain significance for Autosomal recessive limb-girdle muscular dystrophy type 2Q; Epidermolysis bullosa simplex, Ogna type; Epidermolysis bullosa simplex with nail dystrophy; Epidermolysis bullosa simplex 5C, with pyloric atresia; Epidermolysis bullosa simplex 5B, with muscular dystrophy. Last evaluated: 2024-10-15. Review status: criteria provided, single submitter. Criteria: Invitae Variant Classification Sherloc (09022015). Collection method: clinical testing. Allele origin: germline.
Comment: This sequence change replaces arginine, which is basic and polar, with glutamine, which is neutral and polar, at codon 477 of the PLEC protein (p.Arg477Gln). This variant is present in population databases (rs782334335, gnomAD 0.0009%). This variant has not been reported in the literature in individuals affected with PLEC-related conditions. ClinVar contains an entry for this variant (Variation ID: 1807407). Experimental studies and prediction algorithms are not available or were not evaluated, and the functional significance of this variant is currently unknown. In summary, the available evidence is currently insufficient to determine the role of this variant in disease. Therefore, it has been classified as a Variant of Uncertain Significance.

Athena Diagnostics
Classification: Uncertain significance. Last evaluated: 2022-07-08. Review status: criteria provided, single submitter. Criteria: Athena Diagnostics Criteria. Collection method: clinical testing. Allele origin: unknown.